The following is an entry in ClinVar:

ClinVar aggregate classification (germline): Uncertain significance (1 of 4 stars; one submission).

Submission:

GeneDx
Classification: Uncertain significance. Last evaluated: 2023-05-05. Review status: criteria provided, single submitter. Criteria: GeneDx Variant Classification Process June 2021. Collection method: clinical testing. Allele origin: germline. Affected: yes.
Comment: Not observed at significant frequency in large population cohorts (gnomAD); In silico analysis supports that this missense variant does not alter protein structure/function; Has not been previously published as pathogenic or benign to our knowledge

NM_000358.3(TGFBI):c.911G>A (p.Arg304Lys)

Gene: TGFBI (transforming growth factor beta induced; plus strand). Cytogenetic location: 5q31.1.
Variant type: single nucleotide variant.
Coding change: c.911G>A on transcript NM_000358.3 (MANE Select); coding-DNA position 911, G replaced by A.
Protein change: p.Arg304Lys; replaces arginine 304 with lysine.
Molecular consequence: missense variant.
Genome position (GRCh38, 1-based): chr5:136,049,578, G>A. VCF-style: chr5-136049578-G-A. GRCh37 (hg19) VCF-style: chr5-135385267-G-A.
Other names: short protein forms R304K.
Identifiers: ClinVar variation 3343340 (VCV003343340.1).